The following is an entry in ClinVar:

NM_000038.6(APC):c.2139A>G (p.Ser713=)

Gene: APC (APC regulator of Wnt signaling pathway; plus strand). Cytogenetic location: 5q22.2.
Variant type: single nucleotide variant.
Coding change: c.2139A>G on transcript NM_000038.6 (MANE Select); coding-DNA position 2139, A replaced by G.
Protein change: p.Ser713=; no amino-acid change (serine 713 retained).
Molecular consequence: synonymous variant.
Genome position (GRCh38, 1-based): chr5:112,837,733, A>G. VCF-style: chr5-112837733-A-G. GRCh37 (hg19) VCF-style: chr5-112173430-A-G.
Other names: c.1962A>G, p.Ser654= (NM_001354901.2); c.1290A>G, p.Ser430= (NM_001354906.2); c.1866A>G, p.Ser622= (NM_001354902.2); c.1836A>G, p.Ser612= (NM_001354903.2); c.1761A>G, p.Ser587= (NM_001354904.2); c.1659A>G, p.Ser553= (NM_001354905.2); c.2139A>G, p.Ser713= (NM_001127510.3, NM_001354895.2); c.2085A>G, p.Ser695= (NM_001127511.3); and 5 more.
Identifiers: ClinVar variation 485100 (VCV000485100.17), dbSNP rs1554083964, ClinGen allele CA445963455.

ClinVar aggregate classification (germline): Conflicting classifications of pathogenicity. Review status: criteria provided, conflicting classifications (1 of 4 stars). 4 submissions from 4 submitters: Uncertain significance (1); Benign (1); Likely benign (2). Last evaluated 2026-01-08.

Conditions:
Hereditary cancer-predisposing syndrome. Also called: Neoplastic Syndromes, Hereditary; Tumor predisposition; Hereditary Cancer Syndrome; Hereditary neoplastic syndrome. Identifiers: Orphanet 140162, MedGen C0027672, MeSH D009386, MONDO:0015356.
Familial adenomatous polyposis 1 (FAP1). Also called: FAMILIAL ADENOMATOUS POLYPOSIS 1, ATTENUATED; POLYPOSIS, ADENOMATOUS INTESTINAL. Identifiers: MedGen C2713442, MONDO:0021056, OMIM 175100. Disease mechanism: loss of function.

Submissions (4):

Labcorp Genetics (formerly Invitae), Labcorp
Classification: Likely benign for Familial adenomatous polyposis 1. Last evaluated: 2026-01-08. Review status: criteria provided, single submitter. Criteria: Invitae Variant Classification Sherloc (09022015). Collection method: clinical testing. Allele origin: germline.

Myriad Genetics, Inc.
Classification: Benign for Familial adenomatous polyposis 1. Last evaluated: 2024-03-08. Review status: criteria provided, single submitter. Criteria: Myriad Autosomal Dominant, Autosomal Recessive and X-Linked Classification Criteria (2023). Collection method: clinical testing. Allele origin: unknown.
Comment: This variant is considered benign. This variant is a silent/synonymous amino acid change and it is not expected to impact splicing.

Quest Diagnostics Nichols Institute San Juan Capistrano
Classification: Uncertain significance. Last evaluated: 2023-05-04. Review status: criteria provided, single submitter. Criteria: Quest Diagnostics criteria. Collection method: clinical testing. Allele origin: unknown.
Comment: To the best of our knowledge, this variant has not been reported in the published literature. It also has not been reported in large, multi-ethnic general populations. Analysis of this variant using software algorithms for the prediction of the effect of nucleotide changes on splicing yielded predictions that this variant does not affect APC mRNA splicing . Based on the available information, we are unable to determine the clinical significance of this variant.

Ambry Genetics
Classification: Likely benign for Hereditary cancer-predisposing syndrome. Last evaluated: 2016-09-07. Review status: criteria provided, single submitter. Criteria: Ambry Variant Classification Scheme 2023. Collection method: clinical testing. Allele origin: germline.